The following is an entry in ClinVar:

ClinVar aggregate classification (germline): Uncertain significance (1 of 4 stars; one submission).

Conditions:
Cohen syndrome (COH1). Also called: Cutis verticis gyrata, retinitis pigmentosa, and sensorineural deafness; PEPPER SYNDROME. Identifiers: Orphanet 193, MedGen C0265223, MONDO:0008999, OMIM 216550.

Allele frequency attached by ClinVar (database versions not stated): gnomAD exomes below 0.00001.
gnomAD v4.1: 2 of 1,614,058 alleles (0.00012%); highest among the groups gnomAD compares: African/African-American, 0.0013%; no homozygotes.

Submission:

Labcorp Genetics (formerly Invitae), Labcorp
Classification: Uncertain significance for Cohen syndrome. Last evaluated: 2023-10-03. Review status: criteria provided, single submitter. Criteria: Invitae Variant Classification Sherloc (09022015). Collection method: clinical testing. Allele origin: germline.
Comment: This sequence change replaces tyrosine with histidine at codon 3244 of the VPS13B protein (p.Tyr3244His). The tyrosine residue is highly conserved and there is a moderate physicochemical difference between tyrosine and histidine. This variant is not present in population databases (gnomAD no frequency). This variant has not been reported in the literature in individuals affected with VPS13B-related conditions. ClinVar contains an entry for this variant (Variation ID: 1428514). Advanced modeling of protein sequence and biophysical properties (such as structural, functional, and spatial information, amino acid conservation, physicochemical variation, residue mobility, and thermodynamic stability) performed at Invitae indicates that this missense variant is expected to disrupt VPS13B protein function. In summary, the available evidence is currently insufficient to determine the role of this variant in disease. Therefore, it has been classified as a Variant of Uncertain Significance.

NM_152564.5(VPS13B):c.9655T>C (p.Tyr3219His)

Gene: VPS13B (vacuolar protein sorting 13 homolog B; plus strand). Cytogenetic location: 8q22.2.
Variant type: single nucleotide variant.
Coding change: c.9655T>C on transcript NM_152564.5 (MANE Select); coding-DNA position 9655, T replaced by C.
Protein change: p.Tyr3219His; replaces tyrosine 3219 with histidine.
Molecular consequence: missense variant.
Genome position (GRCh38, 1-based): chr8:99,835,237, T>C. VCF-style: chr8-99835237-T-C. GRCh37 (hg19) VCF-style: chr8-100847465-T-C.
Other names: c.9730T>C, p.Tyr3244His (NM_017890.5); short protein forms Y3219H, Y3244H.
Identifiers: ClinVar variation 1428514 (VCV001428514.9), dbSNP rs2130865452, ClinGen allele CA371782499.
Genomic context (GRCh38, chr8:99,835,237, plus strand): 5'-TTGACTTGATTCTCTTCCAGGGCTATAGTGCTGACATATCAAGAACACCTCGGAGTGACT[T>C]ATTTAACCCTCTCAGAAGACCCTAGTCCTCGAGTAATTATCCACAATAGATGTCCAGTAA-3'
Protein context (NP_689777.3, residues 3209-3229): LTYQEHLGVT[Tyr3219His]LTLSEDPSPR